The following is an entry in ClinVar:

ClinVar aggregate classification (germline): Benign (1 of 4 stars; one submission).

Allele frequency attached by ClinVar (database versions not stated): 1000 Genomes Project 0.92073; 1000 Genomes Project 30x 0.92333; gnomAD exomes 0.92511; TOPMed 0.92993; gnomAD 0.93197 and 0.93525.
gnomAD v4.1: 430,820 of 464,502 alleles (93%); highest among the groups gnomAD compares: Admixed American, 94%; 200,069 homozygotes.

Submission:

GeneDx
Classification: Benign. Last evaluated: 2018-06-14. Review status: criteria provided, single submitter. Criteria: GeneDx Variant Classification (06012015). Collection method: clinical testing. Allele origin: germline. Affected: yes.
Comment: This variant is considered likely benign or benign based on one or more of the following criteria: it is a conservative change, it occurs at a poorly conserved position in the protein, it is predicted to be benign by multiple in silico algorithms, and/or has population frequency not consistent with disease.

NM_001377.3(DYNC2H1):c.8946+128G>A

Gene: DYNC2H1 (dynein cytoplasmic 2 heavy chain 1; plus strand). Cytogenetic location: 11q22.3.
Variant type: single nucleotide variant.
Coding change: c.8946+128G>A on transcript NM_001377.3 (MANE Select); 128 bases into the intron after coding-DNA position 8946, G replaced by A.
Molecular consequence: intron variant.
Genome position (GRCh38, 1-based): chr11:103,220,156, G>A. VCF-style: chr11-103220156-G-A. GRCh37 (hg19) VCF-style: chr11-103090885-G-A.
Other names: c.8946+128G>A (NM_001080463.2).
Identifiers: ClinVar variation 667726 (VCV000667726.1), dbSNP rs637923, ClinGen allele CA227417064.
Genomic context (GRCh38, chr11:103,220,156, plus strand): 5'-ATTATTTGTAACTCAAGTTGTTTTCTCATAGTATTATAAAATGTGGTTTTCAACCAAAAT[G>A]TTACTTGTAAAAGAGAACAAGAAGGAAAGCCTTCCAGGAAAAGTATAAATTAATGGATGA-3'